The following is an entry in ClinVar:

ClinVar aggregate classification (germline): Uncertain significance. Review status: criteria provided, multiple submitters, no conflicts (2 of 4 stars). 2 submissions from 2 submitters: Uncertain significance (2). Last evaluated 2025-11-26.

Conditions:
Inborn genetic diseases. Identifiers: MedGen C0950123, MeSH D030342.

Allele frequency attached by ClinVar (database versions not stated): gnomAD exomes 0.00001 and 0.00002; ExAC 0.00002; TOPMed 0.00002.
gnomAD v4.1: 38 of 1,577,700 alleles (0.0024%); highest among the groups gnomAD compares: Non-Finnish European, 0.0031%; no homozygotes.

Submissions (2):

Ambry Genetics
Classification: Uncertain significance for Inborn genetic diseases. Last evaluated: 2025-11-26. Review status: criteria provided, single submitter. Criteria: Ambry Variant Classification Scheme 2023. Collection method: clinical testing. Allele origin: germline.

Labcorp Genetics (formerly Invitae), Labcorp
Classification: Uncertain significance. Last evaluated: 2025-09-30. Review status: criteria provided, single submitter. Criteria: Invitae Variant Classification Sherloc (09022015). Collection method: clinical testing. Allele origin: germline.
Comment: This sequence change replaces tyrosine, which is neutral and polar, with histidine, which is basic and polar, at codon 531 of the RIPK1 protein (p.Tyr531His). This variant is present in population databases (rs745335130, gnomAD 0.002%). This variant has not been reported in the literature in individuals affected with RIPK1-related conditions. ClinVar contains an entry for this variant (Variation ID: 1501739). An algorithm developed to predict the effect of missense changes on protein structure and function (PolyPhen-2) suggests that this variant is likely to be disruptive. In summary, the available evidence is currently insufficient to determine the role of this variant in disease. Therefore, it has been classified as a Variant of Uncertain Significance.

NM_001354930.2(RIPK1):c.1591T>C (p.Tyr531His)

Gene: RIPK1 (receptor interacting serine/threonine kinase 1; plus strand). Cytogenetic location: 6p25.2.
Variant type: single nucleotide variant.
Coding change: c.1591T>C on transcript NM_001354930.2 (MANE Select); coding-DNA position 1591, T replaced by C.
Protein change: p.Tyr531His; replaces tyrosine 531 with histidine.
Molecular consequence: missense variant.
Genome position (GRCh38, 1-based): chr6:3,110,817, T>C. VCF-style: chr6-3110817-T-C. GRCh37 (hg19) VCF-style: chr6-3111051-T-C.
Other names: c.1102T>C, p.Tyr368His (NM_001317061.3, NM_001354932.2, NM_001354933.2 and 1 more transcripts); c.1453T>C, p.Tyr485His (NM_001354931.2); c.1591T>C, p.Tyr531His (NM_003804.6); c.1591T>C (NM_003804.3); short protein forms Y485H, Y368H, Y531H.
Identifiers: ClinVar variation 1501739 (VCV001501739.9), dbSNP rs745335130, ClinGen allele CA3618466.